The following is an entry in ClinVar:

ClinVar aggregate classification (germline): Uncertain significance (1 of 4 stars; one submission).

Conditions:
Congenital glucose-galactose malabsorption (GGM). Also called: DIARRHEA 16; MONOSACCHARIDE MALABSORPTION. Identifiers: Orphanet 35710, MedGen C0268186, MONDO:0011731, OMIM 606824.

Submission:

Labcorp Genetics (formerly Invitae), Labcorp
Classification: Uncertain significance for Congenital glucose-galactose malabsorption. Last evaluated: 2024-08-19. Review status: criteria provided, single submitter. Criteria: Invitae Variant Classification Sherloc (09022015). Collection method: clinical testing. Allele origin: germline.
Comment: This sequence change replaces alanine, which is neutral and non-polar, with valine, which is neutral and non-polar, at codon 401 of the SLC5A1 protein (p.Ala401Val). This variant is not present in population databases (gnomAD no frequency). This variant has not been reported in the literature in individuals affected with SLC5A1-related conditions. ClinVar contains an entry for this variant (Variation ID: 1393628). Invitae Evidence Modeling of protein sequence and biophysical properties (such as structural, functional, and spatial information, amino acid conservation, physicochemical variation, residue mobility, and thermodynamic stability) indicates that this missense variant is not expected to disrupt SLC5A1 protein function with a negative predictive value of 80%. In summary, the available evidence is currently insufficient to determine the role of this variant in disease. Therefore, it has been classified as a Variant of Uncertain Significance.

NM_000343.4(SLC5A1):c.1202C>T (p.Ala401Val)

Gene: SLC5A1 (solute carrier family 5 member 1; plus strand). Cytogenetic location: 22q12.3.
Variant type: single nucleotide variant.
Coding change: c.1202C>T on transcript NM_000343.4 (MANE Select); coding-DNA position 1202, C replaced by T.
Protein change: p.Ala401Val; replaces alanine 401 with valine.
Molecular consequence: missense variant.
Genome position (GRCh38, 1-based): chr22:32,091,684, C>T. VCF-style: chr22-32091684-C-T. GRCh37 (hg19) VCF-style: chr22-32487671-C-T.
Other names: c.821C>T, p.Ala274Val (NM_001256314.2); short protein forms A401V, A274V.
Identifiers: ClinVar variation 1393628 (VCV001393628.8), dbSNP rs2149494224, ClinGen allele CA411308800.